The following is an entry in ClinVar:

NM_004817.4(TJP2):c.952+7A>G

Gene: TJP2 (tight junction protein 2; plus strand). Cytogenetic location: 9q21.11.
Variant type: single nucleotide variant.
Coding change: c.952+7A>G on transcript NM_004817.4 (MANE Select); 7 bases into the intron after coding-DNA position 952, A replaced by G.
Molecular consequence: intron variant.
Genome position (GRCh38, 1-based): chr9:69,221,503, A>G. VCF-style: chr9-69221503-A-G. GRCh37 (hg19) VCF-style: chr9-71836419-A-G.
Other names: c.883+7A>G (NM_001170414.2, NM_001369870.1, NM_001369871.1); c.952+7A>G (NM_201629.3, NM_001369872.1, NM_001369873.1 and 1 more transcripts); c.964+7A>G (NM_001170415.1, NM_001369875.1, NM_001369874.1); c.1045+7A>G (NM_001170416.2).
Identifiers: ClinVar variation 4780190 (VCV004780190.2).

ClinVar aggregate classification (germline): Likely benign. Review status: criteria provided, multiple submitters, no conflicts (2 of 4 stars). 2 submissions from 2 submitters: Likely benign (2). Last evaluated 2026-02-20.

Conditions:
TJP2-related disorder. Also called: TJP2-related condition.

gnomAD v4.1: 3 of 1,601,764 alleles (0.00019%); highest among the groups gnomAD compares: Admixed American, 0.0034%; no homozygotes.

Submissions (2):

PreventionGenetics, part of Exact Sciences
Classification: Likely benign for TJP2-related condition. Last evaluated: 2026-02-20. Review status: criteria provided, single submitter. Criteria: ACMG Guidelines, 2015. Collection method: clinical testing. Allele origin: germline.
Comment: This variant is classified as likely benign based on ACMG/AMP sequence variant interpretation guidelines (Richards et al. 2015 PMID: 25741868, with internal and published modifications).

Labcorp Genetics (formerly Invitae), Labcorp
Classification: Likely benign. Last evaluated: 2025-10-15. Review status: criteria provided, single submitter. Criteria: Invitae Variant Classification Sherloc (09022015). Collection method: clinical testing. Allele origin: germline.